The following is an entry in ClinVar:

NM_024334.3(TMEM43):c.365A>G (p.Tyr122Cys)

Gene: TMEM43 (transmembrane protein 43; plus strand). Cytogenetic location: 3p25.1.
Variant type: single nucleotide variant.
Coding change: c.365A>G on transcript NM_024334.3 (MANE Select); coding-DNA position 365, A replaced by G.
Protein change: p.Tyr122Cys; replaces tyrosine 122 with cysteine.
Molecular consequence: missense variant.
Genome position (GRCh38, 1-based): chr3:14,131,647, A>G. VCF-style: chr3-14131647-A-G. GRCh37 (hg19) VCF-style: chr3-14173147-A-G.
Other names: c.350A>G, p.Tyr117Cys (NM_001407278.1); c.365A>G, p.Tyr122Cys (NM_001407279.1, NM_001407274.1, NM_001407275.1 and 2 more transcripts); c.215A>G, p.Tyr72Cys (NM_001407280.1); short protein forms Y117C, Y122C, Y72C.
Identifiers: ClinVar variation 4757883 (VCV004757883.1).

ClinVar aggregate classification (germline): Uncertain significance (1 of 4 stars; one submission).

Conditions:
Cardiomyopathy (CMYO). Also called: Cardiomyopathies. Identifiers: Orphanet 167848, MedGen C0878544, MONDO:0004994, HP:0001638. Inheritance: Various modes of inheritance.

Submission:

Color Diagnostics, LLC DBA Color Health
Classification: Uncertain significance for Cardiomyopathy. Last evaluated: 2025-08-17. Review status: criteria provided, single submitter. Criteria: ACMG Guidelines, 2015. Collection method: clinical testing. Allele origin: germline.
Comment: This missense variant replaces tyrosine with cysteine at codon 122 of the TMEM43 protein. Computational prediction is inconclusive regarding the impact of this variant on protein structure and function. To our knowledge, functional studies have not been reported for this variant. This variant has not been reported in individuals affected with TMEM43-related disorders in the literature. This variant has not been identified in the general population by the Genome Aggregation Database (gnomAD). The available evidence is insufficient to determine the role of this variant in disease conclusively. Therefore, this variant is classified as a Variant of Uncertain Significance.